The following is an entry in ClinVar:

ClinVar aggregate classification (germline): Uncertain significance (1 of 4 stars; one submission).

Conditions:
EP300-related disorder. Also called: EP300-related disorders; EP300-related condition.

Submission:

PreventionGenetics, part of Exact Sciences
Classification: Uncertain significance for EP300-related condition. Last evaluated: 2026-07-01. Review status: criteria provided, single submitter. Criteria: ACMG Guidelines, 2015. Collection method: clinical testing. Allele origin: germline.
Comment: The EP300 c.3947C>G variant is predicted to result in the amino acid substitution p.Pro1316Arg. To our knowledge, this variant has not been reported in the literature or in a large population database (gnomAD), indicating this variant is rare. At this time, the clinical significance of this variant is uncertain due to the absence of conclusive functional and genetic evidence.

NM_001429.4(EP300):c.3947C>G (p.Pro1316Arg)

Gene: EP300 (EP300 lysine acetyltransferase; plus strand). Cytogenetic location: 22q13.2.
Variant type: single nucleotide variant.
Coding change: c.3947C>G on transcript NM_001429.4 (MANE Select); coding-DNA position 3947, C replaced by G.
Protein change: p.Pro1316Arg; replaces proline 1316 with arginine.
Molecular consequence: missense variant.
Genome position (GRCh38, 1-based): chr22:41,168,521, C>G. VCF-style: chr22-41168521-C-G. GRCh37 (hg19) VCF-style: chr22-41564525-C-G.
Other names: c.3869C>G, p.Pro1290Arg (NM_001362843.2); short protein forms P1290R, P1316R.
Identifiers: ClinVar variation 2628410 (VCV002628410.2), dbSNP rs2517820614, ClinGen allele CA411699400.